The following is an entry in ClinVar:

NM_007294.4(BRCA1):c.1740_1741insCCATCCTGGCTAACAAGGTGAAACCCCGTCTCTACTAAAAATACAAAAAATTAGCCGGGCGCGGTGGCGGGCGCCTGTAGTCCCAGCTACTCGGGAGGCTGAGGCAGGAGAATNNNNNNNNNNAAAAAAAAAAAAAAAAAAAAGAATCTGCTTTC (p.Lys581delinsProSerTrpLeuThrArgTer)

Gene: BRCA1 (BRCA1 DNA repair associated; minus strand). Cytogenetic location: 17q21.31.
Variant type: Insertion.
Coding change: c.1740_1741insCCATCCTGGCTAACAAGGTGAAACCCCGTCTCTACTAAAAATACAAAAAATTAGCCGGGCGCGGTGGCGGGCGCCTGTAGTCCCAGCTACTCGGGAGGCTGAGGCAGGAGAATNNNNNNNNNNAAAAAAAAAAAAAAAAAAAAGAATCTGCTTTC on transcript NM_007294.4 (MANE Select); coding-DNA positions 1740 to 1741, CCATCCTGGCTAACAAGGTGAAACCCCGTCTCTACTAAAAATACAAAAAATTAGCCGGGCGCGGTGGCGGGCGCCTGTAGTCCCAGCTACTCGGGAGGCTGAGGCAGGAGAATNNNNNNNNNNAAAAAAAAAAAAAAAAAAAAGAATCTGCTTTC inserted.
Protein change: p.Lys581delinsProSerTrpLeuThrArgTer.
Molecular consequence: nonsense. On other transcripts: intron variant (137).
Genome position: GRCh38: chr17:43,093,807-43,093,808. GRCh37 (hg19): chr17:41,245,824-41,245,825.
Other names: c.1527_1528insCCATCCTGGCTAACAAGGTGAAACCCCGTCTCTACTAAAAATACAAAAAATTAGCCGGGCGCGGTGGCGGGCGCCTGTAGTCCCAGCTACTCGGGAGGCTGAGGCAGGAGAATNNNNNNNNNNAAAAAAAAAAAAAAAAAAAAGAATCTGCTTTC, p.Lys510delinsProSerTrpLeuThrArgTer (NM_001407915.1, NM_001407916.1, NM_001407917.1 and 9 more transcripts); c.1617_1618insCCATCCTGGCTAACAAGGTGAAACCCCGTCTCTACTAAAAATACAAAAAATTAGCCGGGCGCGGTGGCGGGCGCCTGTAGTCCCAGCTACTCGGGAGGCTGAGGCAGGAGAATNNNNNNNNNNAAAAAAAAAAAAAAAAAAAAGAATCTGCTTTC, p.Lys540delinsProSerTrpLeuThrArgTer (NM_001407919.1, NM_001407676.1, NM_001407677.1 and 19 more transcripts); c.1476_1477insCCATCCTGGCTAACAAGGTGAAACCCCGTCTCTACTAAAAATACAAAAAATTAGCCGGGCGCGGTGGCGGGCGCCTGTAGTCCCAGCTACTCGGGAGGCTGAGGCAGGAGAATNNNNNNNNNNAAAAAAAAAAAAAAAAAAAAGAATCTGCTTTC, p.Lys493delinsProSerTrpLeuThrArgTer (NM_001407920.1, NM_001407921.1, NM_001407922.1 and 9 more transcripts); c.1740_1741insCCATCCTGGCTAACAAGGTGAAACCCCGTCTCTACTAAAAATACAAAAAATTAGCCGGGCGCGGTGGCGGGCGCCTGTAGTCCCAGCTACTCGGGAGGCTGAGGCAGGAGAATNNNNNNNNNNAAAAAAAAAAAAAAAAAAAAGAATCTGCTTTC, p.Lys581delinsProSerTrpLeuThrArgTer (NM_001407684.1, NM_001407854.1, NM_001407858.1 and 30 more transcripts); c.1614_1615insCCATCCTGGCTAACAAGGTGAAACCCCGTCTCTACTAAAAATACAAAAAATTAGCCGGGCGCGGTGGCGGGCGCCTGTAGTCCCAGCTACTCGGGAGGCTGAGGCAGGAGAATNNNNNNNNNNAAAAAAAAAAAAAAAAAAAAGAATCTGCTTTC, p.Lys539delinsProSerTrpLeuThrArgTer (NM_001407685.1, NM_001407686.1, NM_001407687.1 and 11 more transcripts); c.1599_1600insCCATCCTGGCTAACAAGGTGAAACCCCGTCTCTACTAAAAATACAAAAAATTAGCCGGGCGCGGTGGCGGGCGCCTGTAGTCCCAGCTACTCGGGAGGCTGAGGCAGGAGAATNNNNNNNNNNAAAAAAAAAAAAAAAAAAAAGAATCTGCTTTC, p.Lys534delinsProSerTrpLeuThrArgTer (NM_001407692.1, NM_001407694.1, NM_001407695.1 and 29 more transcripts); c.1596_1597insCCATCCTGGCTAACAAGGTGAAACCCCGTCTCTACTAAAAATACAAAAAATTAGCCGGGCGCGGTGGCGGGCGCCTGTAGTCCCAGCTACTCGGGAGGCTGAGGCAGGAGAATNNNNNNNNNNAAAAAAAAAAAAAAAAAAAAGAATCTGCTTTC, p.Lys533delinsProSerTrpLeuThrArgTer (NM_001407740.1, NM_001407741.1, NM_001407742.1 and 20 more transcripts); c.1737_1738insCCATCCTGGCTAACAAGGTGAAACCCCGTCTCTACTAAAAATACAAAAAATTAGCCGGGCGCGGTGGCGGGCGCCTGTAGTCCCAGCTACTCGGGAGGCTGAGGCAGGAGAATNNNNNNNNNNAAAAAAAAAAAAAAAAAAAAGAATCTGCTTTC, p.Lys580delinsProSerTrpLeuThrArgTer (NM_001407860.1, NM_001407861.1, NM_001407587.1 and 22 more transcripts); and 40 more.
Identifiers: ClinVar variation 1451303 (VCV001451303.7), dbSNP rs2154427068.

ClinVar aggregate classification (germline): Pathogenic (1 of 4 stars; one submission).

Conditions:
Hereditary breast ovarian cancer syndrome. Also called: BRCA1- and BRCA2-Associated Hereditary Breast and Ovarian Cancer; Hereditary breast and ovarian cancer; Hereditary breast and ovarian cancer syndrome (HBOC); Hereditary breast and/or ovarian cancer syndrome; Hereditary breast and ovarian cancer syndrome; Breast and ovarian cancer. Identifiers: Orphanet 145, MedGen C0677776, MeSH D061325, MONDO:0003582. Disease mechanism: loss of function.

Submission:

Labcorp Genetics (formerly Invitae), Labcorp
Classification: Pathogenic for Hereditary breast ovarian cancer syndrome. Last evaluated: 2021-04-19. Review status: criteria provided, single submitter. Criteria: Invitae Variant Classification Sherloc (09022015). Collection method: clinical testing. Allele origin: germline.
Comment: For these reasons, this variant has been classified as Pathogenic. Retrotransposon insertions including LINE1 (L1), Alu, and SVA (SINE-VNTR-Alu) have been reported to be disease-causing through disruption of either a coding region or splice site (PMID: 19763152, 20307669, 22406018) and loss-of-function variants in BRCA1 are known to be pathogenic (PMID: 20104584). This variant has not been reported in the literature in individuals with BRCA1-related conditions. This variant is not present in population databases (ExAC no frequency). This sequence change inserts a large fragment of DNA, likely a transposable element, in exon 10 of the BRCA1 gene (c.1740_1741ins?), causing a frameshift at codon 581 (p.Lys581fs). The exact size and sequence of the insertion cannot be determined by the current assay. However, the insertion is expected to result in an absent or disrupted protein product.

Literature cited by the submitters: PubMed 19763152; PubMed 20307669; PubMed 22406018; PubMed 20104584.